The following is an entry in ClinVar:

ClinVar aggregate classification (germline): Uncertain significance. Review status: criteria provided, multiple submitters, no conflicts (2 of 4 stars). 3 submissions from 3 submitters: Uncertain significance (3). Last evaluated 2025-04-09.

Conditions:
Inborn genetic diseases. Identifiers: MedGen C0950123, MeSH D030342.
Aicardi-Goutieres syndrome 4. Identifiers: Orphanet 51, MedGen C1835912, MONDO:0012472, OMIM 610333.

Allele frequency attached by ClinVar (database versions not stated): gnomAD 0.00001 and 0.00002; TOPMed 0.00001.
gnomAD v4.1: 5 of 1,614,088 alleles (0.00031%); highest among the groups gnomAD compares: Admixed American, 0.0017%; no homozygotes.

Submissions (3):

Ambry Genetics
Classification: Uncertain significance for Inborn genetic diseases. Last evaluated: 2025-04-09. Review status: criteria provided, single submitter. Criteria: Ambry Variant Classification Scheme 2023. Collection method: clinical testing. Allele origin: germline.

Labcorp Genetics (formerly Invitae), Labcorp
Classification: Uncertain significance for Aicardi-Goutieres syndrome 4. Last evaluated: 2022-07-19. Review status: criteria provided, single submitter. Criteria: Invitae Variant Classification Sherloc (09022015). Collection method: clinical testing. Allele origin: germline.
Comment: This sequence change replaces glutamic acid, which is acidic and polar, with lysine, which is basic and polar, at codon 147 of the RNASEH2A protein (p.Glu147Lys). This variant is not present in population databases (gnomAD no frequency). This variant has not been reported in the literature in individuals affected with RNASEH2A-related conditions. ClinVar contains an entry for this variant (Variation ID: 1033100). Algorithms developed to predict the effect of missense changes on protein structure and function (SIFT, PolyPhen-2, Align-GVGD) all suggest that this variant is likely to be tolerated. In summary, the available evidence is currently insufficient to determine the role of this variant in disease. Therefore, it has been classified as a Variant of Uncertain Significance.

Baylor Genetics
Classification: Uncertain significance for Aicardi-Goutieres syndrome 4. Last evaluated: 2018-12-06. Review status: criteria provided, single submitter. Criteria: ACMG Guidelines, 2015. Collection method: clinical testing. Allele origin: maternal. Affected: yes.
Comment: This variant was determined to be of uncertain significance according to ACMG Guidelines, 2015 [PMID:25741868].

NM_006397.3(RNASEH2A):c.439G>A (p.Glu147Lys)

Gene: RNASEH2A (ribonuclease H2 subunit A; plus strand). Cytogenetic location: 19p13.13.
Variant type: single nucleotide variant.
Coding change: c.439G>A on transcript NM_006397.3 (MANE Select); coding-DNA position 439, G replaced by A.
Protein change: p.Glu147Lys; replaces glutamic acid 147 with lysine.
Molecular consequence: missense variant.
Genome position (GRCh38, 1-based): chr19:12,810,098, G>A. VCF-style: chr19-12810098-G-A. GRCh37 (hg19) VCF-style: chr19-12920912-G-A.
Other names: short protein forms E147K.
Identifiers: ClinVar variation 1033100 (VCV001033100.7), dbSNP rs769486587, ClinGen allele CA404266595.